The following is an entry in ClinVar:

ClinVar aggregate classification (germline): Uncertain significance (1 of 4 stars; one submission).

Submission:

GeneDx
Classification: Uncertain significance. Last evaluated: 2023-03-24. Review status: criteria provided, single submitter. Criteria: GeneDx Variant Classification Process June 2021. Collection method: clinical testing. Allele origin: germline. Affected: yes.
Comment: Not observed at significant frequency in large population cohorts (gnomAD); In silico analysis supports that this missense variant does not alter protein structure/function; Has not been previously published as pathogenic or benign to our knowledge

NM_006946.4(SPTBN2):c.523A>G (p.Lys175Glu)

Gene: SPTBN2 (spectrin beta, non-erythrocytic 2; minus strand). Cytogenetic location: 11q13.2.
Variant type: single nucleotide variant.
Coding change: c.523A>G on transcript NM_006946.4 (MANE Select); coding-DNA position 523, A replaced by G.
Protein change: p.Lys175Glu; replaces lysine 175 with glutamic acid.
Molecular consequence: missense variant.
Genome position (GRCh38, 1-based): chr11:66,714,368, T>C on the plus strand (A>G on the coding strand, the complement: SPTBN2 is on the minus strand). VCF-style: chr11-66714368-T-C. GRCh37 (hg19) VCF-style: chr11-66481839-T-C.
Other names: c.544A>G, p.Lys182Glu (NM_001411025.1); short protein forms K175E, K182E.
Identifiers: ClinVar variation 2580619 (VCV002580619.1), dbSNP rs1431236793, ClinGen allele CA381483438.